The following is an entry in ClinVar:

ClinVar aggregate classification (germline): Conflicting classifications of pathogenicity. Review status: criteria provided, conflicting classifications (1 of 4 stars). 6 submissions from 6 submitters: Uncertain significance (4); Likely benign (2). Last evaluated 2026-03-13.

Conditions:
Inherited breast cancer and ovarian cancer.
Hereditary cancer-predisposing syndrome. Also called: Tumor predisposition; Hereditary neoplastic syndrome; Neoplastic Syndromes, Hereditary; Hereditary Cancer Syndrome. Identifiers: Orphanet 140162, MedGen C0027672, MeSH D009386, MONDO:0015356.
Familial cancer of breast. Also called: BREAST CANCER, FAMILIAL; hereditary breast carcinoma; Hereditary breast cancer. Identifiers: Orphanet 227535, MedGen C0346153, MONDO:0016419, OMIM 114480. Disease mechanism: loss of function.
Pancreatic cancer, susceptibility to, 3. Identifiers: Orphanet 1333, MedGen C3150547, MONDO:0013236, OMIM 613348.
Fanconi anemia complementation group N. Also called: PALB2-Related Fanconi Anemia. Identifiers: Orphanet 84, MedGen C1835817, MONDO:0012565, OMIM 610832. Disease mechanism: loss of function.

Allele frequency attached by ClinVar (database versions not stated): gnomAD 0.00001; gnomAD exomes 0.00001 and 0.00004; ExAC 0.00002.
gnomAD v4.1: 38 of 1,614,004 alleles (0.0024%); highest among the groups gnomAD compares: Non-Finnish European, 0.003%; no homozygotes.

Submissions (6):

Genomics and Molecular Medicine Service, East Genomic Laboratory Hub, NHS Genomic Medicine Service
Classification: Uncertain significance for Inherited breast cancer and ovarian cancer. Last evaluated: 2026-03-13. Review status: criteria provided, single submitter. Criteria: ACGS Best Practice Guidelines for Variant Classification in Rare Disease 2020. Collection method: clinical testing. Allele origin: germline. Affected: yes.
Comment: BP1

Labcorp Genetics (formerly Invitae), Labcorp
Classification: Uncertain significance for Familial cancer of breast. Last evaluated: 2025-11-05. Review status: criteria provided, single submitter. Criteria: Invitae Variant Classification Sherloc (09022015). Collection method: clinical testing. Allele origin: germline.
Comment: This sequence change replaces alanine, which is neutral and non-polar, with proline, which is neutral and non-polar, at codon 712 of the PALB2 protein (p.Ala712Pro). This variant is present in population databases (rs765942523, gnomAD 0.007%). This variant has not been reported in the literature in individuals affected with PALB2-related conditions. ClinVar contains an entry for this variant (Variation ID: 186485). Invitae Evidence Modeling of protein sequence and biophysical properties (such as structural, functional, and spatial information, amino acid conservation, physicochemical variation, residue mobility, and thermodynamic stability) indicates that this missense variant is not expected to disrupt PALB2 protein function with a negative predictive value of 80%. Experimental studies have shown that this missense change does not substantially affect PALB2 function (PMID: 33964450). In summary, the available evidence is currently insufficient to determine the role of this variant in disease. Therefore, it has been classified as a Variant of Uncertain Significance.

Color Diagnostics, LLC DBA Color Health
Classification: Uncertain significance for Hereditary cancer-predisposing syndrome. Last evaluated: 2024-05-24. Review status: criteria provided, single submitter. Criteria: ACMG Guidelines, 2015. Collection method: clinical testing. Allele origin: germline.
Comment: This missense variant replaces alanine with proline at codon 712 of the PALB2 protein. Computational prediction suggests that this variant may not impact protein structure and function. A functional study has reported that this variant does not impact PALB2 function in a homology-directed repair assay (PMID: 33964450). This variant has been detected in at least three individuals affected with breast cancer (Color internal data). This variant has been identified in 2/251490 chromosomes in the general population by the Genome Aggregation Database (gnomAD). The available evidence is insufficient to determine the role of this variant in disease conclusively. Therefore, this variant is classified as a Variant of Uncertain Significance.

Ambry Genetics
Classification: Likely benign for Hereditary cancer-predisposing syndrome. Last evaluated: 2024-03-27. Review status: criteria provided, single submitter. Criteria: Ambry Variant Classification Scheme 2023. Collection method: clinical testing. Allele origin: germline.

Myriad Genetics, Inc.
Classification: Likely benign for Familial cancer of breast. Last evaluated: 2023-02-14. Review status: criteria provided, single submitter. Criteria: Myriad Autosomal Dominant, Autosomal Recessive and X-Linked Classification Criteria (2023). Collection method: clinical testing. Allele origin: unknown.
Comment: This variant is considered likely benign. This variant is strongly associated with less severe personal and family histories of cancer, typical for individuals without pathogenic variants in this gene [PMID: 25085752].

Fulgent Genetics
Classification: Uncertain significance for Familial cancer of breast; Fanconi anemia complementation group N; Pancreatic cancer, susceptibility to, 3. Last evaluated: 2022-05-05. Review status: criteria provided, single submitter. Criteria: ACMG Guidelines, 2015. Collection method: clinical testing. Allele origin: unknown.

Literature cited by the submitters: PubMed 33964450 (cited by Labcorp Genetics (formerly Invitae), Labcorp and Color Diagnostics, LLC DBA Color Health); PubMed 25085752 (cited by Myriad Genetics, Inc.).

NM_024675.4(PALB2):c.2134G>C (p.Ala712Pro)

Gene: PALB2 (partner and localizer of BRCA2; minus strand). Cytogenetic location: 16p12.2.
Variant type: single nucleotide variant.
Coding change: c.2134G>C on transcript NM_024675.4 (MANE Select); coding-DNA position 2134, G replaced by C.
Protein change: p.Ala712Pro; replaces alanine 712 with proline.
Molecular consequence: missense variant.
Genome position (GRCh38, 1-based): chr16:23,630,020, C>G on the plus strand (G>C on the coding strand, the complement: PALB2 is on the minus strand). VCF-style: chr16-23630020-C-G. GRCh37 (hg19) VCF-style: chr16-23641341-C-G.
Other names: short protein forms A712P.
Identifiers: ClinVar variation 186485 (VCV000186485.21), dbSNP rs765942523, ClinGen allele CA194955.
Genomic context (GRCh38, chr16:23,630,020, plus strand): 5'-CTAAGATGGGGAAAGCAGGTGAACACATGTCTGTGGTAGGCCTGTCATTATCATCAGGCG[C>G]AACCGTATTTAAAGGAGTATAAAGTAATATGGATGAAGAAAGGCCCGTCTTTGTATGCTG-3'
Protein context (NP_078951.2, residues 702-722): ILLYTPLNTV[Ala712Pro]PDDNDRPTTD